The following is an entry in ClinVar:

ClinVar aggregate classification (germline): Uncertain significance (1 of 4 stars; one submission).

Submission:

Dasa
Classification: Uncertain significance. Last evaluated: 2026-07-31. Review status: criteria provided, single submitter. Criteria: DASA Assertion Criteria. Collection method: clinical testing. Allele origin: germline.
Comment: NM_001366145.2(TRPM3):c.4985C>T (p.Thr1662Ile) is a missense variant that results in the substitution of threonine with isoleucine. This variant is rare in population databases. The currently available literature and clinical evidence are not sufficient to establish a definitive association between this variant and the reported condition. Therefore, this variant is classified as a variant of uncertain significance.

NM_001366145.2(TRPM3):c.4985C>T (p.Thr1662Ile)

Genes: KLF9-DT (KLF9 divergent transcript; plus strand), TRPM3 (transient receptor potential cation channel subfamily M member 3; minus strand). Cytogenetic location: 9q21.12.
Variant type: single nucleotide variant.
Coding change: c.4985C>T on transcript NM_001366145.2 (MANE Select); coding-DNA position 4985, C replaced by T.
Protein change: p.Thr1662Ile; replaces threonine 1662 with isoleucine.
Molecular consequence: missense variant. On other transcripts: intron variant (8).
Genome position (GRCh38, 1-based): chr9:70,536,128, G>A on the plus strand (C>T on the coding strand, the complement: TRPM3 is on the minus strand). VCF-style: chr9-70536128-G-A. GRCh37 (hg19) VCF-style: chr9-73151044-G-A.
Other names: c.4037-677C>T (NM_001366148.2); c.4067-677C>T (NM_001366152.2); c.3533-677C>T (NM_001366154.2); c.4949C>T, p.Thr1650Ile (NM_001007471.4); c.4955C>T, p.Thr1652Ile (NM_001366141.2, NM_001366149.2); c.5060C>T, p.Thr1687Ile (NM_001366147.2); c.4490C>T, p.Thr1497Ile (NM_020952.6); c.4526C>T, p.Thr1509Ile (NM_024971.7); and 9 more; short protein forms T1487I, T1497I, T1499I, T1509I, T1512I, T1522I, T1650I, T1652I.
Identifiers: ClinVar variation 5020898 (VCV005020898.1).
Genomic context (GRCh38, chr9:70,536,128, plus strand): 5'-CGCAGGCTTGCTGTGTTCCGCTGCCTGTCGAGTTTGTCACTGATGGAGAAGCTCTTCCTG[G>A]TGTGTGCATATGGCGCACTTGGCTCCTCTGCCGAGTAGCTGTTGGCGCGCTCTATCTTGG-3'
Protein context (NP_001353074.1, residues 1652-1672): AEEPSAPYAH[Thr1662Ile]RKSFSISDKL